The following is an entry in ClinVar:

NM_057175.5(NAA15):c.1070G>A (p.Arg357Gln)

Gene: NAA15 (N-alpha-acetyltransferase 15, NatA auxiliary subunit; plus strand). Cytogenetic location: 4q31.1.
Variant type: single nucleotide variant.
Coding change: c.1070G>A on transcript NM_057175.5 (MANE Select); coding-DNA position 1070, G replaced by A.
Protein change: p.Arg357Gln; replaces arginine 357 with glutamine.
Molecular consequence: missense variant.
Genome position (GRCh38, 1-based): chr4:139,354,081, G>A. VCF-style: chr4-139354081-G-A. GRCh37 (hg19) VCF-style: chr4-140275235-G-A.
Other names: c.1070G>A, p.Arg357Gln (NM_001410842.1, NM_025085.2); c.1070G>A (NM_057175.3); short protein forms R357Q.
Identifiers: ClinVar variation 2183569 (VCV002183569.5), dbSNP rs369324677, ClinGen allele CA3083555.

ClinVar aggregate classification (germline): Conflicting classifications of pathogenicity. Review status: criteria provided, conflicting classifications (1 of 4 stars). 2 submissions from 2 submitters: Uncertain significance (1); Likely benign (1). Last evaluated 2025-10-21.

Conditions:
Inborn genetic diseases. Identifiers: MedGen C0950123, MeSH D030342.

Allele frequency attached by ClinVar (database versions not stated): gnomAD exomes 0.00002; gnomAD 0.00005; ExAC 0.00007; ESP Exome Variant Server 0.00009.
gnomAD v4.1: 45 of 1,613,084 alleles (0.0028%); highest among the groups gnomAD compares: South Asian, 0.014%; no homozygotes.

Submissions (2):

Labcorp Genetics (formerly Invitae), Labcorp
Classification: Uncertain significance. Last evaluated: 2025-10-21. Review status: criteria provided, single submitter. Criteria: Invitae Variant Classification Sherloc (09022015). Collection method: clinical testing. Allele origin: germline.
Comment: This sequence change replaces arginine, which is basic and polar, with glutamine, which is neutral and polar, at codon 357 of the NAA15 protein (p.Arg357Gln). This variant is present in population databases (rs369324677, gnomAD 0.02%). This variant has not been reported in the literature in individuals affected with NAA15-related conditions. ClinVar contains an entry for this variant (Variation ID: 2183569). An algorithm developed to predict the effect of missense changes on protein structure and function (PolyPhen-2) suggests that this variant is likely to be tolerated. In summary, the available evidence is currently insufficient to determine the role of this variant in disease. Therefore, it has been classified as a Variant of Uncertain Significance.

Ambry Genetics
Classification: Likely benign for Inborn genetic diseases. Last evaluated: 2023-10-13. Review status: criteria provided, single submitter. Criteria: Ambry Variant Classification Scheme 2023. Collection method: clinical testing. Allele origin: germline.